The following is an entry in ClinVar:

ClinVar aggregate classification (germline): Uncertain significance. Review status: criteria provided, multiple submitters, no conflicts (2 of 4 stars). 2 submissions from 2 submitters: Uncertain significance (2). Last evaluated 2025-10-17.

Conditions:
Hereditary cancer-predisposing syndrome. Also called: Hereditary neoplastic syndrome; Neoplastic Syndromes, Hereditary; Tumor predisposition; Hereditary Cancer Syndrome. Identifiers: Orphanet 140162, MedGen C0027672, MeSH D009386, MONDO:0015356.
Fanconi anemia complementation group O. Also called: RAD51C-Related Fanconi Anemia. Identifiers: Orphanet 84, MedGen C3150653, MONDO:0013248, OMIM 613390.

Allele frequency attached by ClinVar (database versions not stated): gnomAD exomes below 0.00001.
gnomAD v4.1: 1 of 1,614,190 alleles (0.000062%); highest among the groups gnomAD compares: Non-Finnish European, 0.000085%; no homozygotes.

Submissions (2):

Ambry Genetics
Classification: Uncertain significance for Hereditary cancer-predisposing syndrome. Last evaluated: 2025-10-17. Review status: criteria provided, single submitter. Criteria: Ambry Variant Classification Scheme 2023. Collection method: clinical testing. Allele origin: germline.
Comment: The p.D167H variant (also known as c.499G>C), located in coding exon 3 of the RAD51C gene, results from a G to C substitution at nucleotide position 499. The aspartic acid at codon 167 is replaced by histidine, an amino acid with similar properties. This amino acid position is well conserved in available vertebrate species. In addition, this alteration is predicted to be tolerated by in silico analysis. Since supporting evidence is limited at this time, the clinical significance of this alteration remains unclear.

Labcorp Genetics (formerly Invitae), Labcorp
Classification: Uncertain significance for Fanconi anemia complementation group O. Last evaluated: 2024-11-18. Review status: criteria provided, single submitter. Criteria: Invitae Variant Classification Sherloc (09022015). Collection method: clinical testing. Allele origin: germline.
Comment: This sequence change replaces aspartic acid, which is acidic and polar, with histidine, which is basic and polar, at codon 167 of the RAD51C protein (p.Asp167His). This variant is not present in population databases (gnomAD no frequency). This variant has not been reported in the literature in individuals affected with RAD51C-related conditions. ClinVar contains an entry for this variant (Variation ID: 484740). Invitae Evidence Modeling of protein sequence and biophysical properties (such as structural, functional, and spatial information, amino acid conservation, physicochemical variation, residue mobility, and thermodynamic stability) indicates that this missense variant is not expected to disrupt RAD51C protein function with a negative predictive value of 80%. In summary, the available evidence is currently insufficient to determine the role of this variant in disease. Therefore, it has been classified as a Variant of Uncertain Significance.

NM_058216.3(RAD51C):c.499G>C (p.Asp167His)

Gene: RAD51C (RAD51 paralog C; plus strand). Cytogenetic location: 17q22.
Variant type: single nucleotide variant.
Coding change: c.499G>C on transcript NM_058216.3 (MANE Select); coding-DNA position 499, G replaced by C.
Protein change: p.Asp167His; replaces aspartic acid 167 with histidine.
Molecular consequence: missense variant.
Genome position (GRCh38, 1-based): chr17:58,696,787, G>C. VCF-style: chr17-58696787-G-C. GRCh37 (hg19) VCF-style: chr17-56774148-G-C.
Other names: c.499G>C (LRG_314t1); short protein forms D167H.
Identifiers: ClinVar variation 484740 (VCV000484740.15), dbSNP rs1555594778, ClinGen allele CA400344910.
Genomic context (GRCh38, chr17:58,696,787, plus strand): 5'-TGTTTTGGAGGAGTGGCAGGTGAAGCAGTTTTTATTGATACAGAGGGAAGTTTTATGGTT[G>C]ATAGAGTGGTAGACCTTGCTACTGCCTGCATTCAGCACCTTCAGCTTATAGCAGAAAAAC-3'
Protein context (NP_478123.1, residues 157-177): FIDTEGSFMV[Asp167His]RVVDLATACI